The following is an entry in ClinVar:

ClinVar aggregate classification (germline): Uncertain significance. Review status: criteria provided, multiple submitters, no conflicts (2 of 4 stars). 2 submissions from 2 submitters: Uncertain significance (2). Last evaluated 2024-03-21.

Conditions:
DICER1-related tumor predisposition. Also called: DICER1 syndrome; DICER1-related pleuropulmonary blastoma cancer predisposition syndrome. Identifiers: Orphanet 284343, MedGen C3839822, MONDO:0100216.
Global developmental delay - lung cysts - overgrowth - Wilms tumor syndrome. Also called: GLOBAL DEVELOPMENTAL DELAY, LUNG CYSTS, OVERGROWTH, AND WILMS TUMOR; GLOW Syndrome. Identifiers: Orphanet 404476, MedGen C4748924, MONDO:0018445, OMIM 618272.

Submissions (2):

Baylor Genetics
Classification: Uncertain significance for Global developmental delay - lung cysts - overgrowth - Wilms tumor syndrome. Last evaluated: 2024-03-21. Review status: criteria provided, single submitter. Criteria: ACMG Guidelines, 2015. Collection method: clinical testing. Allele origin: unknown.

Labcorp Genetics (formerly Invitae), Labcorp
Classification: Uncertain significance for DICER1-related tumor predisposition. Last evaluated: 2018-02-20. Review status: criteria provided, single submitter. Criteria: Invitae Variant Classification Sherloc (09022015). Collection method: clinical testing. Allele origin: germline.
Comment: This variant has not been reported in the literature in individuals with DICER1-related disease. This variant is not present in population databases (ExAC no frequency). This sequence change replaces threonine with alanine at codon 78 of the DICER1 protein (p.Thr78Ala). The threonine residue is moderately conserved and there is a small physicochemical difference between threonine and alanine. Algorithms developed to predict the effect of missense changes on protein structure and function (SIFT, PolyPhen-2, Align-GVGD) all suggest that this variant is likely to be tolerated, but these predictions have not been confirmed by published functional studies and their clinical significance is uncertain. In summary, the available evidence is currently insufficient to determine the role of this variant in disease. Therefore, it has been classified as a Variant of Uncertain Significance.

NM_177438.3(DICER1):c.232A>G (p.Thr78Ala)

Gene: DICER1 (dicer 1, ribonuclease III; minus strand). Cytogenetic location: 14q32.13.
Variant type: single nucleotide variant.
Coding change: c.232A>G on transcript NM_177438.3 (MANE Select); coding-DNA position 232, A replaced by G.
Protein change: p.Thr78Ala; replaces threonine 78 with alanine.
Molecular consequence: missense variant.
Genome position (GRCh38, 1-based): chr14:95,132,590, T>C on the plus strand (A>G on the coding strand, the complement: DICER1 is on the minus strand). VCF-style: chr14-95132590-T-C. GRCh37 (hg19) VCF-style: chr14-95598927-T-C.
Other names: c.232A>G, p.Thr78Ala (NM_001195573.1, NM_001271282.3, NM_001291628.2 and 1 more transcripts); short protein forms T78A.
Identifiers: ClinVar variation 574346 (VCV000574346.11), dbSNP rs1566815251, ClinGen allele CA390889892.